The following is an entry in ClinVar:

NM_000059.4(BRCA2):c.8974C>G (p.Pro2992Ala)

Gene: BRCA2 (BRCA2 DNA repair associated; plus strand). Cytogenetic location: 13q13.1.
Variant type: single nucleotide variant.
Coding change: c.8974C>G on transcript NM_000059.4 (MANE Select); coding-DNA position 8974, C replaced by G.
Protein change: p.Pro2992Ala; replaces proline 2992 with alanine.
Molecular consequence: missense variant.
Genome position (GRCh38, 1-based): chr13:32,379,770, C>G. VCF-style: chr13-32379770-C-G. GRCh37 (hg19) VCF-style: chr13-32953907-C-G.
Other names: short protein forms P2992A.
Identifiers: ClinVar variation 923201 (VCV000923201.9), dbSNP rs2072907725, ClinGen allele CA387757394.

ClinVar aggregate classification (germline): Uncertain significance. Review status: criteria provided, multiple submitters, no conflicts (2 of 4 stars). 2 submissions from 2 submitters: Uncertain significance (2). Last evaluated 2021-11-12.

Conditions:
Hereditary cancer-predisposing syndrome. Also called: Neoplastic Syndromes, Hereditary; Tumor predisposition; Hereditary Cancer Syndrome; Hereditary neoplastic syndrome. Identifiers: Orphanet 140162, MedGen C0027672, MeSH D009386, MONDO:0015356.
Hereditary breast ovarian cancer syndrome. Also called: BRCA1- and BRCA2-Associated Hereditary Breast and Ovarian Cancer; Hereditary breast and ovarian cancer syndrome; Hereditary breast and ovarian cancer; Hereditary breast and ovarian cancer syndrome (HBOC); Breast and ovarian cancer; Hereditary breast and/or ovarian cancer syndrome. Identifiers: Orphanet 145, MedGen C0677776, MeSH D061325, MONDO:0003582. Disease mechanism: loss of function.

Submissions (2):

Labcorp Genetics (formerly Invitae), Labcorp
Classification: Uncertain significance for Hereditary breast ovarian cancer syndrome. Last evaluated: 2021-11-12. Review status: criteria provided, single submitter. Criteria: Invitae Variant Classification Sherloc (09022015). Collection method: clinical testing. Allele origin: germline.
Comment: ClinVar contains an entry for this variant (Variation ID: 923201). This variant has not been reported in the literature in individuals affected with BRCA2-related conditions. This variant is not present in population databases (gnomAD no frequency). This sequence change replaces proline, which is neutral and non-polar, with alanine, which is neutral and non-polar, at codon 2992 of the BRCA2 protein (p.Pro2992Ala). Advanced modeling of protein sequence and biophysical properties (such as structural, functional, and spatial information, amino acid conservation, physicochemical variation, residue mobility, and thermodynamic stability) performed at Invitae indicates that this missense variant is not expected to disrupt BRCA2 protein function. In summary, the available evidence is currently insufficient to determine the role of this variant in disease. Therefore, it has been classified as a Variant of Uncertain Significance.

Color Diagnostics, LLC DBA Color Health
Classification: Uncertain significance for Hereditary cancer-predisposing syndrome. Last evaluated: 2020-03-03. Review status: criteria provided, single submitter. Criteria: ACMG Guidelines, 2015. Collection method: clinical testing. Allele origin: germline.
Comment: This missense variant replaces proline with alanine at codon 2992 of the BRCA2 protein. Computational prediction is inconclusive regarding the impact of this variant on protein structure and function (internally defined REVEL score threshold 0.5 < inconclusive < 0.7, PMID: 27666373). Splice site prediction tools suggest that this variant may not impact RNA splicing. To our knowledge, functional studies have not been reported for this variant. This variant has not been reported in individuals affected with hereditary cancer in the literature. This variant has not been identified in the general population by the Genome Aggregation Database (gnomAD). The available evidence is insufficient to determine the role of this variant in disease conclusively. Therefore, this variant is classified as a Variant of Uncertain Significance.